The following is an entry in ClinVar:

ClinVar aggregate classification (germline): Uncertain significance. Review status: criteria provided, multiple submitters, no conflicts (2 of 4 stars). 2 submissions from 2 submitters: Uncertain significance (2). Last evaluated 2024-02-24.

Conditions:
Singleton-Merten syndrome 1 (SGMRT1). Also called: Widened medullary cavities of bone, aortic calcification, abnormal dentition, and muscular weakness; Syndrome of widened medullary cavities of the metacarpals and phalanges, aortic calcification and abnormal dentition. Identifiers: Orphanet 85191, MedGen C4225427, MONDO:0024535, OMIM 182250.
Aicardi-Goutieres syndrome 7 (AGS7). Identifiers: Orphanet 51, MedGen C3888244, MONDO:0014367, OMIM 615846.
IFIH1-related disorder. Also called: IFIH1-related condition.

Allele frequency attached by ClinVar (database versions not stated): gnomAD exomes 0.00001.
gnomAD v4.1: 5 of 1,613,744 alleles (0.00031%); highest among the groups gnomAD compares: South Asian, 0.0011%; no homozygotes.

Submissions (2):

Labcorp Genetics (formerly Invitae), Labcorp
Classification: Uncertain significance for Aicardi-Goutieres syndrome 7; Singleton-Merten syndrome 1. Last evaluated: 2024-02-24. Review status: criteria provided, single submitter. Criteria: Invitae Variant Classification Sherloc (09022015). Collection method: clinical testing. Allele origin: germline.
Comment: This sequence change replaces leucine, which is neutral and non-polar, with proline, which is neutral and non-polar, at codon 130 of the IFIH1 protein (p.Leu130Pro). This variant is not present in population databases (gnomAD no frequency). This variant has not been reported in the literature in individuals affected with IFIH1-related conditions. This missense change has been observed in at least one individual who was not affected with IFIH1-related conditions (Invitae). ClinVar contains an entry for this variant (Variation ID: 1432402). Advanced modeling of protein sequence and biophysical properties (such as structural, functional, and spatial information, amino acid conservation, physicochemical variation, residue mobility, and thermodynamic stability) has been performed at Invitae for this missense variant, however the output from this modeling did not meet the statistical confidence thresholds required to predict the impact of this variant on IFIH1 protein function. In summary, the available evidence is currently insufficient to determine the role of this variant in disease. Therefore, it has been classified as a Variant of Uncertain Significance.

PreventionGenetics, part of Exact Sciences
Classification: Uncertain significance for IFIH1-related condition. Last evaluated: 2023-09-29. Review status: criteria provided, single submitter. Criteria: ACMG Guidelines, 2015. Collection method: clinical testing. Allele origin: germline.
Comment: The IFIH1 c.389T>C variant is predicted to result in the amino acid substitution p.Leu130Pro. To our knowledge, this variant has not been reported in the literature or in a large population database, indicating this variant is rare. At this time, the clinical significance of this variant is uncertain due to the absence of conclusive functional and genetic evidence.

NM_022168.4(IFIH1):c.389T>C (p.Leu130Pro)

Gene: IFIH1 (interferon induced with helicase C domain 1; minus strand). Cytogenetic location: 2q24.2.
Variant type: single nucleotide variant.
Coding change: c.389T>C on transcript NM_022168.4 (MANE Select); coding-DNA position 389, T replaced by C.
Protein change: p.Leu130Pro; replaces leucine 130 with proline.
Molecular consequence: missense variant.
Genome position (GRCh38, 1-based): chr2:162,317,919, A>G on the plus strand (T>C on the coding strand, the complement: IFIH1 is on the minus strand). VCF-style: chr2-162317919-A-G. GRCh37 (hg19) VCF-style: chr2-163174429-A-G.
Other names: c.389T>C (NM_022168.3); short protein forms L130P.
Identifiers: ClinVar variation 1432402 (VCV001432402.8), dbSNP rs1683537130, ClinGen allele CA349013477.